The following is an entry in ClinVar:

NM_001267550.2(TTN):c.32277GGA[2] (p.Glu10763del)

Gene: TTN (titin; minus strand). Cytogenetic location: 2q31.2.
Variant type: Microsatellite.
Coding change: c.32277GGA[2] on transcript NM_001267550.2 (MANE Select); two copies in a row of the 3-base unit GGA starting at c.32277; the reference has three copies in a row; one copy, 3 bases deleted.
Protein change: p.Glu10763del; deletes glutamic acid 10763.
Molecular consequence: inframe deletion. On other transcripts: intron variant (3).
Genome position (GRCh38, 1-based): chr2:178,688,137-178,688,139, TCC deleted on the plus strand (GGA on the coding strand, the reverse complement: TTN is on the minus strand); deleting any 3 consecutive bases within chr2:178,688,137-178,688,147 gives the same sequence; the position shown is the placement nearest the transcript's 3' end. VCF-style (leftmost placement, unchanged base first): chr2-178688136-TTCC-T. GRCh37 (hg19) VCF-style: chr2-179552863-TTCC-T.
Other names: c.28551_28553del (NM_133378.4); c.32283_32285delGGA (NM_001267550.2); c.31326GGA[2], p.Glu10446del (NM_001256850.1); c.28545GGA[2], p.Glu9519del (NM_133378.4); c.13283-45828GGA[2] (NM_003319.4); c.13859-45828GGA[2] (NM_133437.4); c.13658-45828GGA[2] (NM_133432.3); short protein forms E10446del, E10763del, E9519del.
Identifiers: ClinVar variation 2437893 (VCV002437893.4), dbSNP rs760761698, ClinGen allele CA1998676.

ClinVar aggregate classification (germline): Uncertain significance. Review status: criteria provided, multiple submitters, no conflicts (2 of 4 stars). 2 submissions from 2 submitters: Uncertain significance (2). Last evaluated 2026-09-02.

Conditions:
TTN-related disorder. Also called: TTN-related condition; TTN-related disease; TTN-related disorders.

Submissions (2):

PreventionGenetics, part of Exact Sciences
Classification: Uncertain significance for TTN-related condition. Last evaluated: 2026-09-02. Review status: criteria provided, single submitter. Criteria: ACMG Guidelines, 2015. Collection method: clinical testing. Allele origin: germline.
Comment: The TTN c.32283_32285delGGA variant is predicted to result in an in-frame deletion (p.Glu10763del). To our knowledge, this variant has not been reported in the literature. This variant is reported in 0.0065% of alleles in individuals of African descent in gnomAD. At this time, the clinical significance of this variant is uncertain due to the absence of conclusive functional and genetic evidence.

Revvity Omics, Revvity
Classification: Uncertain significance. Last evaluated: 2020-12-24. Review status: criteria provided, single submitter. Criteria: ACMG Guidelines, 2015. Collection method: clinical testing. Allele origin: germline.